The following is an entry in ClinVar:

ClinVar aggregate classification (germline): Uncertain significance (1 of 4 stars; one submission).

Allele frequency attached by ClinVar (database versions not stated): ExAC 0.00001; gnomAD 0.00002; 1000 Genomes Project 0.00040; 1000 Genomes Project 30x 0.00047.
gnomAD v4.1: 10 of 1,614,080 alleles (0.00062%); highest among the groups gnomAD compares: South Asian, 0.0022%; no homozygotes.

Submission:

Labcorp Genetics (formerly Invitae), Labcorp
Classification: Uncertain significance. Last evaluated: 2024-02-03. Review status: criteria provided, single submitter. Criteria: Invitae Variant Classification Sherloc (09022015). Collection method: clinical testing. Allele origin: germline.
Comment: This sequence change replaces arginine, which is basic and polar, with cysteine, which is neutral and slightly polar, at codon 1052 of the RNF31 protein (p.Arg1052Cys). This variant is present in population databases (rs547569742, gnomAD 0.01%). This variant has not been reported in the literature in individuals affected with RNF31-related conditions. An algorithm developed to predict the effect of missense changes on protein structure and function (PolyPhen-2) suggests that this variant is likely to be disruptive. In summary, the available evidence is currently insufficient to determine the role of this variant in disease. Therefore, it has been classified as a Variant of Uncertain Significance.

NM_017999.5(RNF31):c.3154C>T (p.Arg1052Cys)

Gene: RNF31 (ring finger protein 31; plus strand). Cytogenetic location: 14q12.
Variant type: single nucleotide variant.
Coding change: c.3154C>T on transcript NM_017999.5 (MANE Select); coding-DNA position 3154, C replaced by T.
Protein change: p.Arg1052Cys; replaces arginine 1052 with cysteine.
Molecular consequence: missense variant.
Genome position (GRCh38, 1-based): chr14:24,160,396, C>T. VCF-style: chr14-24160396-C-T. GRCh37 (hg19) VCF-style: chr14-24629605-C-T.
Other names: c.2701C>T, p.Arg901Cys (NM_001310332.2); short protein forms R1052C, R901C.
Identifiers: ClinVar variation 2982700 (VCV002982700.3), dbSNP rs547569742, ClinGen allele CA7126279.